The following is an entry in ClinVar:

NM_001041.4(SI):c.1021-3A>G

Gene: SI (sucrase-isomaltase; minus strand). Cytogenetic location: 3q26.1.
Variant type: single nucleotide variant.
Coding change: c.1021-3A>G on transcript NM_001041.4 (MANE Select); 3 bases into the intron before coding-DNA position 1021, A replaced by G.
Molecular consequence: intron variant.
Genome position (GRCh38, 1-based): chr3:165,060,030, T>C on the plus strand (A>G on the coding strand, the complement: SI is on the minus strand). VCF-style: chr3-165060030-T-C. GRCh37 (hg19) VCF-style: chr3-164777818-T-C.
Identifiers: ClinVar variation 1991643 (VCV001991643.4), dbSNP rs2473411113, ClinGen allele CA2580069024.

ClinVar aggregate classification (germline): Uncertain significance (1 of 4 stars; one submission).

Allele frequency attached by ClinVar (database versions not stated): gnomAD exomes below 0.00001.
gnomAD v4.1: 1 of 1,610,474 alleles (0.000062%); highest among the groups gnomAD compares: Non-Finnish European, 0.000085%; no homozygotes.

Submission:

Labcorp Genetics (formerly Invitae), Labcorp
Classification: Uncertain significance. Last evaluated: 2024-11-05. Review status: criteria provided, single submitter. Criteria: Invitae Variant Classification Sherloc (09022015). Collection method: clinical testing. Allele origin: germline.
Comment: This sequence change falls in intron 9 of the SI gene. It does not directly change the encoded amino acid sequence of the SI protein. It affects a nucleotide within the consensus splice site. This variant is not present in population databases (gnomAD no frequency). This variant has not been reported in the literature in individuals affected with SI-related conditions. ClinVar contains an entry for this variant (Variation ID: 1991643). Variants that disrupt the consensus splice site are a relatively common cause of aberrant splicing (PMID: 17576681, 9536098). Algorithms developed to predict the effect of sequence changes on RNA splicing suggest that this variant may disrupt the consensus splice site. In summary, the available evidence is currently insufficient to determine the role of this variant in disease. Therefore, it has been classified as a Variant of Uncertain Significance.

Literature cited by the submitters: PubMed 17576681; PubMed 9536098.